The following is an entry in ClinVar:

ClinVar aggregate classification (germline): Conflicting classifications of pathogenicity. Review status: criteria provided, conflicting classifications (1 of 4 stars). 2 submissions from 2 submitters: Uncertain significance (1); Likely benign (1). Last evaluated 2023-12-23.

Conditions:
Malignant hyperthermia, susceptibility to, 1 (MHS1). Also called: Malignant hyperthermia suceptibility 1; Anesthesia related hyperthermia; Malignant hyperpyrexia; Fulminating hyperpyrexia; Pharmacogenic myopathy; RYR1-Related Malignant Hyperthermia Susceptibility. Identifiers: Orphanet 423, MedGen C2930980, MONDO:0007783, OMIM 145600.
RYR1-related disorder. Also called: RYR1-related disorders; RYR1-related condition. Identifiers: MedGen CN239331.

Allele frequency attached by ClinVar (database versions not stated): ExAC 0.00001.
gnomAD v4.1: 3 of 1,609,848 alleles (0.00019%); highest among the groups gnomAD compares: Non-Finnish European, 0.00025%; no homozygotes.

Submissions (2):

Labcorp Genetics (formerly Invitae), Labcorp
Classification: Likely benign for RYR1-related disorder. Last evaluated: 2023-12-23. Review status: criteria provided, single submitter. Criteria: Invitae Variant Classification Sherloc (09022015). Collection method: clinical testing. Allele origin: germline.

All of Us Research Program, National Institutes of Health
Classification: Uncertain significance for Malignant hyperthermia, susceptibility to, 1. Last evaluated: 2023-07-10. Review status: criteria provided, single submitter. Criteria: ACMG Guidelines, 2015. Collection method: clinical testing. Allele origin: germline. Inheritance: Autosomal dominant inheritance. Observed: 1 variant allele, 1 heterozygote.
Comment: This variant causes a C to G nucleotide substitution at the -7 position of intron 63 of the RYR1 gene. To our knowledge, functional studies have not been reported for this variant. This variant has not been reported in individuals affected with RYR1-related disorders in the literature. This variant has not been identified in the general population by the Genome Aggregation Database (gnomAD). The available evidence is insufficient to determine the role of this variant in disease conclusively. Therefore, this variant is classified as a Variant of Uncertain Significance.

This study involves interpretation of variants in research participants for the purpose of population health screening. Participant phenotype was not available at the time of variant classification. Additional details can be found in publication PMID: 35346344, PMCID: PMC8962531

NM_000540.3(RYR1):c.9473-7C>G

Gene: RYR1 (ryanodine receptor 1; plus strand). Cytogenetic location: 19q13.2.
Variant type: single nucleotide variant.
Coding change: c.9473-7C>G on transcript NM_000540.3 (MANE Select); 7 bases into the intron before coding-DNA position 9473, C replaced by G.
Molecular consequence: intron variant.
Genome position (GRCh38, 1-based): chr19:38,515,019, C>G. VCF-style: chr19-38515019-C-G. GRCh37 (hg19) VCF-style: chr19-39005659-C-G.
Other names: c.9473-7C>G (NM_001042723.2).
Identifiers: ClinVar variation 2956727 (VCV002956727.4), dbSNP rs768275402, ClinGen allele CA073697.